The following is an entry in ClinVar:

ClinVar aggregate classification (germline): Conflicting classifications of pathogenicity. Review status: criteria provided, conflicting classifications (1 of 4 stars). 3 submissions from 3 submitters: Uncertain significance (2); Likely benign (1). Last evaluated 2025-05-13.

Conditions:
Inborn genetic diseases. Identifiers: MedGen C0950123, MeSH D030342.
Familial hypokalemia-hypomagnesemia (GTLMNS). Also called: HYPOMAGNESEMIA-HYPOKALEMIA, PRIMARY RENOTUBULAR, WITH HYPOCALCIURIA; POTASSIUM AND MAGNESIUM DEPLETION; gitelman syndrome. Identifiers: Orphanet 358, MedGen C0268450, MONDO:0009904, OMIM 263800.

Allele frequency attached by ClinVar (database versions not stated): gnomAD exomes 0.00006; gnomAD 0.00003; ESP Exome Variant Server 0.00008; TOPMed 0.00004; ExAC 0.00006.
gnomAD v4.1: 57 of 1,613,216 alleles (0.0035%); highest among the groups gnomAD compares: Middle Eastern, 0.016%; no homozygotes.

Submissions (3):

Labcorp Genetics (formerly Invitae), Labcorp
Classification: Likely benign. Last evaluated: 2025-05-13. Review status: criteria provided, single submitter. Criteria: Invitae Variant Classification Sherloc (09022015). Collection method: clinical testing. Allele origin: germline.

Fulgent Genetics
Classification: Uncertain significance for Familial hypokalemia-hypomagnesemia. Last evaluated: 2024-05-07. Review status: criteria provided, single submitter. Criteria: ACMG Guidelines, 2015. Collection method: clinical testing. Allele origin: germline.

Ambry Genetics
Classification: Uncertain significance for Inborn genetic diseases. Last evaluated: 2021-03-03. Review status: criteria provided, single submitter. Criteria: Ambry Variant Classification Scheme 2023. Collection method: clinical testing. Allele origin: germline.
Comment: The c.1568-4G>A intronic alteration consists of a G to A substitution 4 nucleotides before exon 13 in the SLC12A3 gene. In silico splice site analysis predicts that this alteration will not have any significant effect on splicing. Based on insufficient or conflicting evidence, the clinical significance of this alteration remains unclear.

Literature cited by the submitters: PubMed 22009145 (cited by Ambry Genetics).

NM_001126108.2(SLC12A3):c.1568-4G>A

Gene: SLC12A3 (solute carrier family 12 member 3; plus strand). Cytogenetic location: 16q13.
Variant type: single nucleotide variant.
Coding change: c.1568-4G>A on transcript NM_001126108.2 (MANE Select); 4 bases into the intron before coding-DNA position 1568, G replaced by A.
Molecular consequence: intron variant.
Genome position (GRCh38, 1-based): chr16:56,882,392, G>A. VCF-style: chr16-56882392-G-A. GRCh37 (hg19) VCF-style: chr16-56916304-G-A.
Other names: c.1568-4G>A (NM_000339.3); c.1565-4G>A (NM_001126107.2).
Identifiers: ClinVar variation 741578 (VCV000741578.12), dbSNP rs374303576, ClinGen allele CA8069537.